The following is an entry in ClinVar:

NM_006312.6(NCOR2):c.7226G>A (p.Arg2409Gln)

Gene: NCOR2 (nuclear receptor corepressor 2; minus strand). Cytogenetic location: 12q24.31.
Variant type: single nucleotide variant.
Coding change: c.7226G>A on transcript NM_006312.6 (MANE Select); coding-DNA position 7226, G replaced by A.
Protein change: p.Arg2409Gln; replaces arginine 2409 with glutamine.
Molecular consequence: missense variant.
Genome position (GRCh38, 1-based): chr12:124,326,328, C>T on the plus strand (G>A on the coding strand, the complement: NCOR2 is on the minus strand). VCF-style: chr12-124326328-C-T. GRCh37 (hg19) VCF-style: chr12-124810874-C-T.
Other names: c.7058G>A, p.Arg2353Gln (NM_001077261.4); c.7196G>A, p.Arg2399Gln (NM_001206654.2); short protein forms R2353Q, R2399Q, R2409Q.
Identifiers: ClinVar variation 4977007 (VCV004977007.1).

ClinVar aggregate classification (germline): Likely benign (1 of 4 stars; one submission).

Conditions:
NCOR2-related disorder. Also called: NCOR2-related condition.

gnomAD v4.1: 113 of 1,537,576 alleles (0.0073%); highest among the groups gnomAD compares: African/African-American, 0.0028%; no homozygotes.

Submission:

PreventionGenetics, part of Exact Sciences
Classification: Likely benign for NCOR2-related condition. Last evaluated: 2025-10-28. Review status: criteria provided, single submitter. Criteria: ACMG Guidelines, 2015. Collection method: clinical testing. Allele origin: germline.
Comment: This variant is classified as likely benign based on ACMG/AMP sequence variant interpretation guidelines (Richards et al. 2015 PMID: 25741868, with internal and published modifications).